The following is an entry in ClinVar:

ClinVar aggregate classification (germline): Uncertain significance (1 of 4 stars; one submission).

Conditions:
Inborn genetic diseases. Identifiers: MedGen C0950123, MeSH D030342.

Submission:

Ambry Genetics
Classification: Uncertain significance for Inborn genetic diseases. Last evaluated: 2023-06-30. Review status: criteria provided, single submitter. Criteria: Ambry Variant Classification Scheme 2023. Collection method: clinical testing. Allele origin: germline.
Comment: The p.K113Q variant (also known as c.337A>C), located in coding exon 5 of the ERCC2 gene, results from an A to C substitution at nucleotide position 337. The lysine at codon 113 is replaced by glutamine, an amino acid with similar properties. This amino acid position is conserved. In addition, the in silico prediction for this alteration is inconclusive. Since supporting evidence is limited at this time, the clinical significance of this alteration remains unclear.

NM_000400.4(ERCC2):c.337A>C (p.Lys113Gln)

Gene: ERCC2 (ERCC excision repair 2, TFIIH core complex helicase subunit; minus strand). Cytogenetic location: 19q13.32.
Variant type: single nucleotide variant.
Coding change: c.337A>C on transcript NM_000400.4 (MANE Select); coding-DNA position 337, A replaced by C.
Protein change: p.Lys113Gln; replaces lysine 113 with glutamine.
Molecular consequence: missense variant.
Genome position (GRCh38, 1-based): chr19:45,368,653, T>G on the plus strand (A>C on the coding strand, the complement: ERCC2 is on the minus strand). VCF-style: chr19-45368653-T-G. GRCh37 (hg19) VCF-style: chr19-45871911-T-G.
Other names: c.265A>C, p.Lys89Gln (NM_001130867.2); short protein forms K113Q, K89Q.
Identifiers: ClinVar variation 2586774 (VCV002586774.2), dbSNP rs2514043718, ClinGen allele CA406378102.
Genomic context (GRCh38, chr19:45,368,653, plus strand): 5'-TCTGGGCTAAGGGCAAGGAGAAGGAACAGGTGCTCACCTCAGGGTGAATACACAAGTTTT[T>G]GCGGGAGCTCAGAGCCAGTCCCAGAAACGGCAGCTTCTCGCCCTCCTGCTTCTCATAGAA-3'
Protein context (NP_000391.1, residues 103-123): PFLGLALSSR[Lys113Gln]NLCIHPEVTP